The following is an entry in ClinVar:

ClinVar aggregate classification (germline): Pathogenic/Likely pathogenic. Review status: criteria provided, multiple submitters, no conflicts (2 of 4 stars). 2 submissions from 2 submitters: Pathogenic (1); Likely pathogenic (1). Last evaluated 2023-12-26.

Conditions:
Autosomal recessive nonsyndromic hearing loss 4 (DFNB4). Also called: FOXI1-Related Pendred Syndrome; KCNJ10-Related Pendred Syndrome; Enlarged vestibular aqueduct, digenic; NEUROSENSORY NONSYNDROMIC RECESSIVE DEAFNESS 4; Deafness, autosomal recessive 4, with enlarged vestibular aqueduct; Deafness, autosomal recessive 4. Identifiers: Orphanet 90636, MedGen C3538946, MONDO:0010933, OMIM 600791.

Allele frequency attached by ClinVar (database versions not stated): gnomAD exomes below 0.00001.

Submissions (2):

Baylor Genetics
Classification: Likely pathogenic for Autosomal recessive nonsyndromic hearing loss 4. Last evaluated: 2023-12-26. Review status: criteria provided, single submitter. Criteria: ACMG Guidelines, 2015. Collection method: clinical testing. Allele origin: unknown.

Labcorp Genetics (formerly Invitae), Labcorp
Classification: Pathogenic. Last evaluated: 2023-07-28. Review status: criteria provided, single submitter. Criteria: Invitae Variant Classification Sherloc (09022015). Collection method: clinical testing. Allele origin: germline.
Comment: For these reasons, this variant has been classified as Pathogenic. ClinVar contains an entry for this variant (Variation ID: 949322). This variant has not been reported in the literature in individuals affected with SLC26A4-related conditions. This variant is not present in population databases (gnomAD no frequency). This sequence change creates a premature translational stop signal (p.Val453Glyfs*19) in the SLC26A4 gene. It is expected to result in an absent or disrupted protein product. Loss-of-function variants in SLC26A4 are known to be pathogenic (PMID: 16283880, 25394566, 26252218, 26445815).

Literature cited by the submitters: PubMed 16283880 (cited by Labcorp Genetics (formerly Invitae), Labcorp); PubMed 25394566 (cited by Labcorp Genetics (formerly Invitae), Labcorp); PubMed 26252218 (cited by Labcorp Genetics (formerly Invitae), Labcorp); PubMed 26445815 (cited by Labcorp Genetics (formerly Invitae), Labcorp).

NM_000441.2(SLC26A4):c.1343_1355dup (p.Val453fs)

Gene: SLC26A4 (solute carrier family 26 member 4; plus strand). Cytogenetic location: 7q22.3.
Variant type: Duplication.
Coding change: c.1343_1355dup on transcript NM_000441.2 (MANE Select); coding-DNA positions 1343 to 1355, 13 bases duplicated (CGGTCTTGGCAGC).
Protein change: p.Val453fs; shifts the reading frame from valine 453.
Molecular consequence: frameshift variant.
Genome position (GRCh38, 1-based): chr7:107,694,622-107,694,634, CGGTCTTGGCAGC duplicated. VCF-style (leftmost placement, unchanged base first): chr7-107694621-T-TCGGTCTTGGCAGC. GRCh37 (hg19) VCF-style: chr7-107335066-T-TCGGTCTTGGCAGC.
Other names: short protein forms V453fs.
Identifiers: ClinVar variation 949322 (VCV000949322.9), dbSNP rs1791686622, ClinGen allele CA1139660180.
Genomic context (GRCh38, chr7:107,694,621, plus strand): 5'-CAATCATCACATGGAAAACCATTCCCTGAATAACACAGCCTTCTCTGTCTCTCTTGGCAG[T>TCGGTCTTGGCAGC]CGGTCTTGGCAGCTGTTGTAATTGCCAACCTGAAAGGGATGTTTATGCAGCTGTGTGACA-3'